The following is an entry in ClinVar:

NM_001184.4(ATR):c.2947G>A (p.Asp983Asn)

Gene: ATR (ATR checkpoint kinase; minus strand). Cytogenetic location: 3q23.
Variant type: single nucleotide variant.
Coding change: c.2947G>A on transcript NM_001184.4 (MANE Select); coding-DNA position 2947, G replaced by A.
Protein change: p.Asp983Asn; replaces aspartic acid 983 with asparagine.
Molecular consequence: missense variant.
Genome position (GRCh38, 1-based): chr3:142,550,161, C>T on the plus strand (G>A on the coding strand, the complement: ATR is on the minus strand). VCF-style: chr3-142550161-C-T. GRCh37 (hg19) VCF-style: chr3-142269003-C-T.
Other names: c.2755G>A, p.Asp919Asn (NM_001354579.2); short protein forms D983N, D919N.
Identifiers: ClinVar variation 961607 (VCV000961607.7), dbSNP rs537845660, ClinGen allele CA2650244.

ClinVar aggregate classification (germline): Uncertain significance (1 of 4 stars; one submission).

Allele frequency attached by ClinVar (database versions not stated): ExAC 0.00001; gnomAD 0.00001; gnomAD exomes 0.00001; TOPMed 0.00002; 1000 Genomes Project 30x 0.00016; 1000 Genomes Project 0.00020.
gnomAD v4.1: 15 of 1,614,084 alleles (0.00093%); highest among the groups gnomAD compares: South Asian, 0.0033%; no homozygotes.

Submission:

Labcorp Genetics (formerly Invitae), Labcorp
Classification: Uncertain significance. Last evaluated: 2025-05-05. Review status: criteria provided, single submitter. Criteria: Invitae Variant Classification Sherloc (09022015). Collection method: clinical testing. Allele origin: germline.
Comment: This sequence change replaces aspartic acid, which is acidic and polar, with asparagine, which is neutral and polar, at codon 983 of the ATR protein (p.Asp983Asn). This variant is present in population databases (rs537845660, gnomAD 0.003%). This variant has not been reported in the literature in individuals affected with ATR-related conditions. ClinVar contains an entry for this variant (Variation ID: 961607). An algorithm developed to predict the effect of missense changes on protein structure and function (PolyPhen-2) suggests that this variant is likely to be disruptive. In summary, the available evidence is currently insufficient to determine the role of this variant in disease. Therefore, it has been classified as a Variant of Uncertain Significance.